The following is an entry in ClinVar:

ClinVar aggregate classification (germline): Uncertain significance (0 of 4 stars; one submission).

Conditions:
TCF12-related disorder. Also called: TCF12-related condition.

Submission:

PreventionGenetics, part of Exact Sciences
Classification: Uncertain significance for TCF12-related condition. Last evaluated: 2024-02-14. Review status: no assertion criteria provided. Collection method: clinical testing. Allele origin: germline.
Comment: The TCF12 c.595C>G variant is predicted to result in the amino acid substitution p.Pro199Ala. To our knowledge, this variant has not been reported in the literature or in a large population database, indicating this variant is rare. At this time, the clinical significance of this variant is uncertain due to the absence of conclusive functional and genetic evidence.

NM_207037.2(TCF12):c.595C>G (p.Pro199Ala)

Gene: TCF12 (transcription factor 12; plus strand). Cytogenetic location: 15q21.3.
Variant type: single nucleotide variant.
Coding change: c.595C>G on transcript NM_207037.2 (MANE Select); coding-DNA position 595, C replaced by G.
Protein change: p.Pro199Ala; replaces proline 199 with alanine.
Molecular consequence: missense variant. On other transcripts: synonymous variant (1), 5 prime UTR variant (1).
Genome position (GRCh38, 1-based): chr15:57,231,167, C>G. VCF-style: chr15-57231167-C-G. GRCh37 (hg19) VCF-style: chr15-57523365-C-G.
Other names: c.85C>G, p.Pro29Ala (NM_001306219.3, NM_207040.2); c.27C>G, p.Pro9= (NM_001306220.3); c.595C>G, p.Pro199Ala (NM_001322151.2, NM_001322152.2, NM_001322157.3 and 7 more transcripts); c.-63C>G (NM_001322154.2); c.421C>G, p.Pro141Ala (NM_001322156.2, NM_001322158.2); c.631C>G, p.Pro211Ala (NM_001322164.2); short protein forms P141A, P199A, P211A, P29A.
Identifiers: ClinVar variation 3031226 (VCV003031226.2), dbSNP rs2551437602, ClinGen allele CA392590455.